The following is an entry in ClinVar:

ClinVar aggregate classification (germline): Pathogenic (1 of 4 stars; one submission).

Submission:

Labcorp Genetics (formerly Invitae), Labcorp
Classification: Pathogenic. Last evaluated: 2024-04-25. Review status: criteria provided, single submitter. Criteria: Invitae Variant Classification Sherloc (09022015). Collection method: clinical testing. Allele origin: germline.
Comment: This sequence change creates a premature translational stop signal (p.Asn148Glufs*54) in the BGN gene. It is expected to result in an absent or disrupted protein product. Loss-of-function variants in BGN are known to be pathogenic (PMID: 17502576, 27632686). This variant is present in population databases (rs782449715, gnomAD 0.02%). This variant has not been reported in the literature in individuals affected with BGN-related conditions. For these reasons, this variant has been classified as Pathogenic.

Literature cited by the submitters: PubMed 17502576; PubMed 27632686.

NM_001711.6(BGN):c.440dup (p.Asn148fs)

Gene: BGN (biglycan; plus strand). Cytogenetic location: Xq28.
Variant type: Duplication.
Coding change: c.440dup on transcript NM_001711.6 (MANE Select); coding-DNA position 440, one base duplicated (A; older notation c.440dupA).
Protein change: p.Asn148fs; shifts the reading frame from asparagine 148.
Molecular consequence: frameshift variant.
Genome position (GRCh38, 1-based): chrX:153,505,951, A duplicated; the last of 2 consecutive A bases (chrX:153,505,950-153,505,951); duplicating either gives the same sequence. VCF-style (leftmost placement, unchanged base first): chrX-153505949-C-CA. GRCh37 (hg19) VCF-style: chrX-152771407-C-CA.
Other names: short protein forms N148fs.
Identifiers: ClinVar variation 2847643 (VCV002847643.3), dbSNP rs782449715, ClinGen allele CA10547238.